The following is an entry in ClinVar:

NM_144997.7(FLCN):c.566T>C (p.Leu189Pro)

Gene: FLCN (folliculin; minus strand). Cytogenetic location: 17p11.2.
Variant type: single nucleotide variant.
Coding change: c.566T>C on transcript NM_144997.7 (MANE Select); coding-DNA position 566, T replaced by C.
Protein change: p.Leu189Pro; replaces leucine 189 with proline.
Molecular consequence: missense variant.
Genome position (GRCh38, 1-based): chr17:17,223,974, A>G on the plus strand (T>C on the coding strand, the complement: FLCN is on the minus strand). VCF-style: chr17-17223974-A-G. GRCh37 (hg19) VCF-style: chr17-17127288-A-G.
Other names: c.620T>C, p.Leu207Pro (NM_001353229.2); c.566T>C, p.Leu189Pro (NM_001353230.2, NM_001353231.2, NM_144606.7); short protein forms L207P, L189P.
Identifiers: ClinVar variation 1748967 (VCV001748967.3), dbSNP rs2544252318, ClinGen allele CA398534271.

ClinVar aggregate classification (germline): Uncertain significance (1 of 4 stars; one submission).

Conditions:
Hereditary cancer-predisposing syndrome. Also called: Hereditary Cancer Syndrome; Hereditary neoplastic syndrome; Neoplastic Syndromes, Hereditary; Tumor predisposition. Identifiers: Orphanet 140162, MedGen C0027672, MeSH D009386, MONDO:0015356.

Submission:

Ambry Genetics
Classification: Uncertain significance for Hereditary cancer-predisposing syndrome. Last evaluated: 2024-09-21. Review status: criteria provided, single submitter. Criteria: Ambry Variant Classification Scheme 2023. Collection method: clinical testing. Allele origin: germline.
Comment: The p.L189P variant (also known as c.566T>C), located in coding exon 3 of the FLCN gene, results from a T to C substitution at nucleotide position 566. The leucine at codon 189 is replaced by proline, an amino acid with similar properties. This amino acid position is conserved. In addition, this alteration is predicted to be deleterious by in silico analysis. Since supporting evidence is limited at this time, the clinical significance of this alteration remains unclear.